The following is an entry in ClinVar:

ClinVar aggregate classification (germline): Conflicting classifications of pathogenicity. Review status: criteria provided, conflicting classifications (1 of 4 stars). 2 submissions from 2 submitters: Uncertain significance (1); Likely benign (1). Last evaluated 2024-10-08.

Allele frequency attached by ClinVar (database versions not stated): ESP Exome Variant Server 0.00008; 1000 Genomes Project 30x 0.00062.
gnomAD v4.1: 117 of 1,614,216 alleles (0.0072%); highest among the groups gnomAD compares: Admixed American, 0.02%; no homozygotes.

Submissions (2):

Ambry Genetics
Classification: Uncertain significance. Last evaluated: 2024-10-08. Review status: criteria provided, single submitter. Criteria: Ambry Variant Classification Scheme 2023. Collection method: clinical testing. Allele origin: germline.

CeGaT Center for Human Genetics Tuebingen
Classification: Likely benign. Last evaluated: 2022-06-01. Review status: criteria provided, single submitter. Criteria: CeGaT Center For Human Genetics Tuebingen Variant Classification Criteria Version 2. Collection method: clinical testing. Allele origin: germline. Affected: yes. Observed: 1 variant allele.
Comment: P2RX5: BS2

NM_002561.4(P2RX5):c.217G>A (p.Val73Met)

Genes: P2RX5 (purinergic receptor P2X 5; minus strand), P2RX5-TAX1BP3 (P2RX5-TAX1BP3 readthrough (NMD candidate); minus strand). Cytogenetic location: 17p13.2.
Variant type: single nucleotide variant.
Coding change: c.217G>A on transcript NM_002561.4 (MANE Select); coding-DNA position 217, G replaced by A.
Protein change: p.Val73Met; replaces valine 73 with methionine.
Molecular consequence: missense variant. On other transcripts: non-coding transcript variant (1).
Genome position (GRCh38, 1-based): chr17:3,691,715, C>T on the plus strand (G>A on the coding strand, the complement: P2RX5 is on the minus strand). VCF-style: chr17-3691715-C-T. GRCh37 (hg19) VCF-style: chr17-3595009-C-T.
Other names: c.217G>A, p.Val73Met (NM_001204519.2, NM_001204520.2, NM_175080.3); short protein forms V73M.
Identifiers: ClinVar variation 2295192 (VCV002295192.27), dbSNP rs61731589, ClinGen allele CA8292912.
Genomic context (GRCh38, chr17:3,691,715, plus strand): 5'-TGACGTAGTCGGCGACATCCCAGATCCGCTGCCCAAGATCCGAGGTGTTGGTGAAGGCCA[C>T]GCCCTTGACTTTGGTGATGACAGCACTCTGCAGGGAGGTGTCGACGTCTTGGTAACCCTT-3'
Protein context (NP_002552.2, residues 63-83): QSAVITKVKG[Val73Met]AFTNTSDLGQ